The following is an entry in ClinVar:

ClinVar aggregate classification (germline): Uncertain significance (1 of 4 stars; one submission).

Conditions:
Kabuki syndrome. Also called: Kabuki make-up syndrome; NIIKAWA-KUROKI SYNDROME. Identifiers: Orphanet 2322, MedGen C0796004, MONDO:0016512.

Submission:

Labcorp Genetics (formerly Invitae), Labcorp
Classification: Uncertain significance for Kabuki syndrome. Last evaluated: 2024-03-24. Review status: criteria provided, single submitter. Criteria: Invitae Variant Classification Sherloc (09022015). Collection method: clinical testing. Allele origin: germline.
Comment: This sequence change replaces serine, which is neutral and polar, with alanine, which is neutral and non-polar, at codon 3184 of the KMT2D protein (p.Ser3184Ala). This variant is not present in population databases (gnomAD no frequency). This variant has not been reported in the literature in individuals affected with KMT2D-related conditions. Advanced modeling of protein sequence and biophysical properties (such as structural, functional, and spatial information, amino acid conservation, physicochemical variation, residue mobility, and thermodynamic stability) performed at Invitae indicates that this missense variant is not expected to disrupt KMT2D protein function with a negative predictive value of 95%. In summary, the available evidence is currently insufficient to determine the role of this variant in disease. Therefore, it has been classified as a Variant of Uncertain Significance.

NM_003482.4(KMT2D):c.9550T>G (p.Ser3184Ala)

Gene: KMT2D (lysine methyltransferase 2D; minus strand). Cytogenetic location: 12q13.12.
Variant type: single nucleotide variant.
Coding change: c.9550T>G on transcript NM_003482.4 (MANE Select); coding-DNA position 9550, T replaced by G.
Protein change: p.Ser3184Ala; replaces serine 3184 with alanine.
Molecular consequence: missense variant.
Genome position (GRCh38, 1-based): chr12:49,037,806, A>C on the plus strand (T>G on the coding strand, the complement: KMT2D is on the minus strand). VCF-style: chr12-49037806-A-C. GRCh37 (hg19) VCF-style: chr12-49431589-A-C.
Other names: short protein forms S3184A.
Identifiers: ClinVar variation 3702992 (VCV003702992.2).
Genomic context (GRCh38, chr12:49,037,806, plus strand): 5'-GGCCACTCAGTGGGCTGGGGGTCAGCAGGTGAGCTGGTGGTCCTCCCGTGGCCCCAAAGG[A>C]GGCCTTCTCAGCTGTGTGCCCACTGCTAGAAAATGGCCCTGTGCCCATCCGGGTATCCCG-3'
Protein context (NP_003473.3, residues 3174-3194): SSSGHTAEKA[Ser3184Ala]FGATGGPPAH